The following is an entry in ClinVar:

ClinVar aggregate classification (germline): Likely benign (0 of 4 stars; one submission).

Conditions:
ARFGEF3-related disorder. Also called: ARFGEF3-related condition.

Submission:

PreventionGenetics, part of Exact Sciences
Classification: Likely benign for ARFGEF3-related condition. Last evaluated: 2019-07-09. Review status: no assertion criteria provided. Collection method: clinical testing. Allele origin: germline.
Comment: This variant is classified as likely benign based on ACMG/AMP sequence variant interpretation guidelines (Richards et al. 2015 PMID: 25741868, with internal and published modifications).

NM_020340.5(ARFGEF3):c.4539C>G (p.Arg1513=)

Gene: ARFGEF3 (ARFGEF family member 3; plus strand). Cytogenetic location: 6q24.1.
Variant type: single nucleotide variant.
Coding change: c.4539C>G on transcript NM_020340.5 (MANE Select); coding-DNA position 4539, C replaced by G.
Protein change: p.Arg1513=; no amino-acid change (arginine 1513 retained).
Molecular consequence: synonymous variant.
Genome position (GRCh38, 1-based): chr6:138,319,767, C>G. VCF-style: chr6-138319767-C-G. GRCh37 (hg19) VCF-style: chr6-138640904-C-G.
Identifiers: ClinVar variation 3050012 (VCV003050012.2), dbSNP rs1472284166, ClinGen allele CA452245364.